The following is an entry in ClinVar:

ClinVar aggregate classification (germline): Likely benign (1 of 4 stars; one submission).

Conditions:
TTN-related disorder. Also called: TTN-related condition; TTN-related disease; TTN-related disorders.

Submission:

PreventionGenetics, part of Exact Sciences
Classification: Likely benign for TTN-related condition. Last evaluated: 2026-08-25. Review status: criteria provided, single submitter. Criteria: ACMG Guidelines, 2015. Collection method: clinical testing. Allele origin: germline.
Comment: This variant is classified as likely benign based on ACMG/AMP sequence variant interpretation guidelines (Richards et al. 2015 PMID: 25741868, with internal and published modifications).

NM_001267550.2(TTN):c.76746A>C (p.Thr25582=)

Genes: TTN (titin; minus strand), TTN-AS1 (TTN antisense RNA 1; plus strand). Cytogenetic location: 2q31.2.
Variant type: single nucleotide variant.
Coding change: c.76746A>C on transcript NM_001267550.2 (MANE Select); coding-DNA position 76746, A replaced by C.
Protein change: p.Thr25582=; no amino-acid change (threonine 25582 retained).
Molecular consequence: synonymous variant.
Genome position (GRCh38, 1-based): chr2:178,569,386, T>G on the plus strand (A>C on the coding strand, the complement: TTN is on the minus strand). VCF-style: chr2-178569386-T-G. GRCh37 (hg19) VCF-style: chr2-179434113-T-G.
Other names: c.71823A>C, p.Thr23941= (NM_001256850.1); c.49551A>C, p.Thr16517= (NM_003319.4); c.69042A>C, p.Thr23014= (NM_133378.4); c.49926A>C, p.Thr16642= (NM_133432.3); c.50127A>C, p.Thr16709= (NM_133437.4).
Identifiers: ClinVar variation 4977866 (VCV004977866.1).